The following is an entry in ClinVar:

NM_001378615.1(CC2D2A):c.1565T>C (p.Phe522Ser)

Genes: CC2D2A (coiled-coil and C2 domain containing 2A; plus strand), FBXL5 (F-box and leucine rich repeat protein 5; minus strand). Cytogenetic location: 4p15.32.
Variant type: single nucleotide variant.
Coding change: c.1565T>C on transcript NM_001378615.1 (MANE Select); coding-DNA position 1565, T replaced by C.
Protein change: p.Phe522Ser; replaces phenylalanine 522 with serine.
Molecular consequence: missense variant.
Genome position (GRCh38, 1-based): chr4:15,533,291, T>C. VCF-style: chr4-15533291-T-C. GRCh37 (hg19) VCF-style: chr4-15534914-T-C.
Other names: c.1565T>C, p.Phe522Ser (NM_001080522.2); c.1418T>C, p.Phe473Ser (NM_001378617.1); short protein forms F473S, F522S.
Identifiers: ClinVar variation 1983772 (VCV001983772.3), dbSNP rs1303592909, ClinGen allele CA356411046.
Genomic context (GRCh38, chr4:15,533,291, plus strand): 5'-ATAGAACATTGCTTAAGACTATCATAAAAGTTTGGAAAGAGATGAAATCCCTTCGAGAGT[T>C]CCAGAGATTTACAAATACTCCCTTGAAACTTGTTTTGAGAAAGTAGGCTTTTTTGAAAAA-3'
Protein context (NP_001365544.1, residues 512-532): VWKEMKSLRE[Phe522Ser]QRFTNTPLKL

ClinVar aggregate classification (germline): Uncertain significance (1 of 4 stars; one submission).

Conditions:
Joubert syndrome. Also called: Familial aplasia of the vermis; JOUBERT-BOLTSHAUSER SYNDROME. Identifiers: Orphanet 475, MedGen C5979921, MONDO:0018772.
Meckel-Gruber syndrome. Also called: Dysencephalia splachnocystica; DYSENCEPHALIA SPLANCHNOCYSTICA; GRUBER SYNDROME. Identifiers: Orphanet 564, MedGen C0265215, MONDO:0018921.

Allele frequency attached by ClinVar (database versions not stated): gnomAD 0.00001; gnomAD exomes 0.00001; TOPMed 0.00001.
gnomAD v4.1: 9 of 1,591,512 alleles (0.00057%); highest among the groups gnomAD compares: Non-Finnish European, 0.00077%; no homozygotes.

Submission:

Labcorp Genetics (formerly Invitae), Labcorp
Classification: Uncertain significance for Joubert syndrome; Meckel-Gruber syndrome. Last evaluated: 2023-11-27. Review status: criteria provided, single submitter. Criteria: Invitae Variant Classification Sherloc (09022015). Collection method: clinical testing. Allele origin: germline.
Comment: This sequence change replaces phenylalanine, which is neutral and non-polar, with serine, which is neutral and polar, at codon 522 of the CC2D2A protein (p.Phe522Ser). This variant is not present in population databases (gnomAD no frequency). This variant has not been reported in the literature in individuals affected with CC2D2A-related conditions. ClinVar contains an entry for this variant (Variation ID: 1983772). Advanced modeling of protein sequence and biophysical properties (such as structural, functional, and spatial information, amino acid conservation, physicochemical variation, residue mobility, and thermodynamic stability) performed at Invitae indicates that this missense variant is not expected to disrupt CC2D2A protein function with a negative predictive value of 95%. In summary, the available evidence is currently insufficient to determine the role of this variant in disease. Therefore, it has been classified as a Variant of Uncertain Significance.